The following is an entry in ClinVar:

ClinVar aggregate classification (germline): Uncertain significance (1 of 4 stars; one submission).

Conditions:
Autosomal dominant intellectual disability-craniofacial anomalies-cardiac defects syndrome (ARTHS). Also called: KAT6A syndrome; Mental retardation, autosomal dominant 32; Arboleda-Tham syndrome. Identifiers: Orphanet 457193, MedGen C4225396, MONDO:0014558, OMIM 616268.

Submission:

Baylor Genetics
Classification: Uncertain significance for Autosomal dominant intellectual disability-craniofacial anomalies-cardiac defects syndrome. Last evaluated: 2019-10-03. Review status: criteria provided, single submitter. Criteria: ACMG Guidelines, 2015. Collection method: clinical testing. Allele origin: unknown. Affected: yes.
Comment: This variant was determined to be of uncertain significance according to ACMG Guidelines, 2015 [PMID:25741868].

NM_006766.5(KAT6A):c.4960C>A (p.Pro1654Thr)

Gene: KAT6A (lysine acetyltransferase 6A; minus strand). Cytogenetic location: 8p11.21.
Variant type: single nucleotide variant.
Coding change: c.4960C>A on transcript NM_006766.5 (MANE Select); coding-DNA position 4960, C replaced by A.
Protein change: p.Pro1654Thr; replaces proline 1654 with threonine.
Molecular consequence: missense variant.
Genome position (GRCh38, 1-based): chr8:41,933,260, G>T on the plus strand (C>A on the coding strand, the complement: KAT6A is on the minus strand). VCF-style: chr8-41933260-G-T. GRCh37 (hg19) VCF-style: chr8-41790778-G-T.
Other names: short protein forms P1654T.
Identifiers: ClinVar variation 1028558 (VCV001028558.1), dbSNP rs1264564304, ClinGen allele CA371064053.
Genomic context (GRCh38, chr8:41,933,260, plus strand): 5'-GTGGAGGCTGTGGTGCTGGTTGTGGTTGTGGCGGCGGCGGCTGTGGCTGCTGTGGAGGCG[G>T]TGGTGGCGGCTGCTGCTGCTGGTTACTGGGAGGCCTCTCCACCACGCAGCTCTGAGGTGA-3'
Protein context (NP_006757.2, residues 1644-1664): PSNQQQQPPP[Pro1654Thr]PPQQPQPPPP